The following is an entry in ClinVar:

NM_153816.6(SNX14):c.1098_1101del (p.Phe365_Cys366insTer)

Gene: SNX14 (sorting nexin 14; minus strand). Cytogenetic location: 6q14.3.
Variant type: Microsatellite.
Coding change: c.1098_1101del on transcript NM_153816.6 (MANE Select); coding-DNA positions 1098 to 1101, 4 bases deleted (TTTG; older notation c.1098_1101delTTTG).
Protein change: p.Phe365_Cys366insTer.
Molecular consequence: nonsense. On other transcripts: 5 prime UTR variant (6), non-coding transcript variant (6).
Genome position (GRCh38, 1-based): chr6:85,547,119-85,547,122, CAAA deleted on the plus strand (TTTG on the coding strand, the reverse complement: SNX14 is on the minus strand); deleting any 4 consecutive bases within chr6:85,547,119-85,547,126 gives the same sequence; the c. name uses the placement nearest the transcript's 3' end. VCF-style (leftmost placement, unchanged base first): chr6-85547118-TCAAA-T. GRCh37 (hg19) VCF-style: chr6-86256836-TCAAA-T.
Other names: c.1098_1101del, p.Phe365_Cys366insTer (NM_001297614.3, NM_001350540.2, NM_001350541.2); c.942_945del, p.Phe313_Cys314insTer (NM_001304479.2); c.1161_1164del, p.Phe386_Cys387insTer (NM_001350532.2); c.1095_1098del, p.Phe364_Cys365insTer (NM_001350533.2, NM_001350534.2, NM_001350535.2); c.966_969del, p.Phe321_Cys322insTer (NM_001350536.2, NM_020468.6); c.963_966del, p.Phe320_Cys321insTer (NM_001350537.2); c.954_957del, p.Phe317_Cys318insTer (NM_001350538.2); c.939_942del, p.Phe312_Cys313insTer (NM_001350539.2); and 7 more.
Identifiers: ClinVar variation 3364549 (VCV003364549.1).
Genomic context (GRCh38, chr6:85,547,118, plus strand): 5'-AATACATTAAAAGGTTTAAAAATTACTTTCGTAAAATACACAGGTAAGCCTCACCCACAG[TCAAA>T]CAAAACTGCAACACGTGCACTGCGCCTTCTTGTTTCAGAAAGTTCATAAAACGAAATAAA-3'

ClinVar aggregate classification (germline): Pathogenic (1 of 4 stars; one submission).

Submission:

GeneDx
Classification: Pathogenic. Last evaluated: 2023-11-18. Review status: criteria provided, single submitter. Criteria: GeneDx Variant Classification Process June 2021. Collection method: clinical testing. Allele origin: germline. Affected: yes.
Comment: Nonsense variant predicted to result in protein truncation or nonsense mediated decay in a gene for which loss of function is a known mechanism of disease; Not observed at significant frequency in large population cohorts (gnomAD); Has not been previously published as pathogenic or benign to our knowledge